The following is an entry in ClinVar:

NM_012233.3(RAB3GAP1):c.1693_1694del (p.Thr564_Asp565insTer)

Gene: RAB3GAP1 (RAB3 GTPase activating protein catalytic subunit 1; plus strand). Cytogenetic location: 2q21.3.
Variant type: Deletion.
Coding change: c.1693_1694del on transcript NM_012233.3 (MANE Select); coding-DNA positions 1693 to 1694, 2 bases deleted (GA; older notation c.1693_1694delGA).
Protein change: p.Thr564_Asp565insTer.
Molecular consequence: nonsense.
Genome position (GRCh38, 1-based): chr2:135,135,702-135,135,703, GA deleted; deleting any 2 consecutive bases within chr2:135,135,701-135,135,703 gives the same sequence; the c. name uses the placement nearest the transcript's 3' end. VCF-style (leftmost placement, unchanged base first): chr2-135135700-CAG-C. GRCh37 (hg19) VCF-style: chr2-135893270-CAG-C.
Other names: c.1693_1694del, p.Thr564_Asp565insTer (NM_001172435.2).
Identifiers: ClinVar variation 4823911 (VCV004823911.1).
Genomic context (GRCh38, chr2:135,135,700, plus strand): 5'-TATATCCAGGGGATGCTGGAAAAGCAGGAGACCAGTTGGTGCCAGATAATCTAAAAGAAA[CAG>C]ATAAGGAAAAGGGAGAGGTAGGAAAATCTTGGGATTCCTGGAGTGACAGCGAAGAAGAAT-3'

ClinVar aggregate classification (germline): Likely pathogenic (1 of 4 stars; one submission).

Conditions:
Warburg micro syndrome 1 (WARBM1). Identifiers: Orphanet 2510, MedGen C1838625, MONDO:0010822, OMIM 600118.

Submission:

Neurogenetics Team, Indira Gandhi Institute of Child Health
Classification: Likely pathogenic for Warburg micro syndrome 1. Last evaluated: 2026-04-12. Review status: criteria provided, single submitter. Criteria: ACMG Guidelines, 2015. Collection method: clinical testing. Allele origin: biparental. Inheritance: Autosomal recessive inheritance. Affected: yes. Observed: 1 variant allele, 1 homozygote.
Comment: This is a null variant and lies in a gene where loss of function is a known mechanism of disease (PVS1). The observed variant is novel in gnomAD exomes and genomes, respectively(PM2). Hence the variant is classified as Likely Pathogenic.